The following is an entry in ClinVar:

ClinVar aggregate classification (germline): Likely benign (1 of 4 stars; one submission).

Submission:

CeGaT Center for Human Genetics Tuebingen
Classification: Likely benign. Last evaluated: 2026-06-01. Review status: criteria provided, single submitter. Criteria: CeGaT Center For Human Genetics Tuebingen Variant Classification Criteria Version 2. Collection method: clinical testing. Allele origin: germline. Affected: yes. Observed: 1 variant allele.
Comment: RNF186: BP4, BP7

NM_019062.2(RNF186):c.558C>T (p.Ile186=)

Genes: RNF186 (ring finger protein 186; minus strand), RNF186-AS1 (RNF186 antisense RNA 1; plus strand). Cytogenetic location: 1p36.13.
Variant type: single nucleotide variant.
Coding change: c.558C>T on transcript NM_019062.2 (MANE Select); coding-DNA position 558, C replaced by T.
Protein change: p.Ile186=; no amino-acid change (isoleucine 186 retained).
Molecular consequence: synonymous variant. On other transcripts: non-coding transcript variant (1).
Genome position (GRCh38, 1-based): chr1:19,814,544, G>A on the plus strand (C>T on the coding strand, the complement: RNF186 is on the minus strand). VCF-style: chr1-19814544-G-A. GRCh37 (hg19) VCF-style: chr1-20141037-G-A.
Identifiers: ClinVar variation 4872146 (VCV004872146.2).